The following is an entry in ClinVar:

NM_001035.3(RYR2):c.10201G>A (p.Glu3401Lys)

Gene: RYR2 (ryanodine receptor 2; plus strand). Cytogenetic location: 1q43.
Variant type: single nucleotide variant.
Coding change: c.10201G>A on transcript NM_001035.3 (MANE Select); coding-DNA position 10201, G replaced by A.
Protein change: p.Glu3401Lys; replaces glutamic acid 3401 with lysine.
Molecular consequence: missense variant.
Genome position (GRCh38, 1-based): chr1:237,709,538, G>A. VCF-style: chr1-237709538-G-A. GRCh37 (hg19) VCF-style: chr1-237872838-G-A.
Other names: short protein forms E3401K.
Identifiers: ClinVar variation 1171038 (VCV001171038.3), dbSNP rs2149069897, ClinGen allele CA345411700.

ClinVar aggregate classification (germline): Uncertain significance (1 of 4 stars; one submission).

Conditions:
Cardiomyopathy (CMYO). Also called: Cardiomyopathies. Identifiers: Orphanet 167848, MedGen C0878544, MONDO:0004994, HP:0001638. Inheritance: Various modes of inheritance.

Submission:

Color Diagnostics, LLC DBA Color Health
Classification: Uncertain significance for Cardiomyopathy. Last evaluated: 2024-03-06. Review status: criteria provided, single submitter. Criteria: ACMG Guidelines, 2015. Collection method: clinical testing. Allele origin: germline.
Comment: This missense variant replaces glutamic acid with lysine at codon 3401 of the RYR2 protein. Computational prediction suggests that this variant may have deleterious impact on protein structure and function (internally defined REVEL score threshold >= 0.7, PMID: 27666373). To our knowledge, functional studies have not been reported for this variant. This variant has not been reported in individuals affected with cardiovascular disorders in the literature. This variant has not been identified in the general population by the Genome Aggregation Database (gnomAD). The available evidence is insufficient to determine the role of this variant in disease conclusively. Therefore, this variant is classified as a Variant of Uncertain Significance.